The following is an entry in ClinVar:

ClinVar aggregate classification (germline): Conflicting classifications of pathogenicity. Review status: criteria provided, conflicting classifications (1 of 4 stars). 5 submissions from 5 submitters: Uncertain significance (1); Likely benign (3). 1 of the submissions does not count toward it. Last evaluated 2025-02-01.

Conditions:
TMEM231-related disorder. Also called: TMEM231-related condition.
Meckel syndrome, type 11 (MKS11). Identifiers: Orphanet 564, MedGen C3809352, MONDO:0014164, OMIM 615397.
Joubert syndrome 20 (JBTS20). Identifiers: Orphanet 475, MedGen C3554235, MONDO:0013994, OMIM 614970.

Allele frequency attached by ClinVar (database versions not stated): gnomAD 0.00006; gnomAD exomes 0.00010 and 0.00014; ExAC 0.00014; TOPMed 0.00028; 1000 Genomes Project 30x 0.00031; 1000 Genomes Project 0.00040.
gnomAD v4.1: 175 of 1,612,078 alleles (0.011%); highest among the groups gnomAD compares: East Asian, 0.038%; no homozygotes.

Submissions (5):

CeGaT Center for Human Genetics Tuebingen
Classification: Likely benign. Last evaluated: 2025-02-01. Review status: criteria provided, single submitter. Criteria: CeGaT Center For Human Genetics Tuebingen Variant Classification Criteria Version 2. Collection method: clinical testing. Allele origin: germline. Affected: yes. Observed: 1 variant allele.
Comment: TMEM231: BP4

Labcorp Genetics (formerly Invitae), Labcorp
Classification: Uncertain significance for Joubert syndrome 20; Meckel syndrome, type 11. Last evaluated: 2025-01-06. Review status: criteria provided, single submitter. Criteria: Invitae Variant Classification Sherloc (09022015). Collection method: clinical testing. Allele origin: germline.
Comment: This sequence change falls in intron 3 of the TMEM231 gene. It does not directly change the encoded amino acid sequence of the TMEM231 protein. It affects a nucleotide within the consensus splice site. This variant is present in population databases (rs376300743, gnomAD 0.07%). This variant has not been reported in the literature in individuals affected with TMEM231-related conditions. ClinVar contains an entry for this variant (Variation ID: 379405). Variants that disrupt the consensus splice site are a relatively common cause of aberrant splicing (PMID: 17576681, 9536098). Algorithms developed to predict the effect of sequence changes on RNA splicing suggest that this variant is not likely to affect RNA splicing. In summary, the available evidence is currently insufficient to determine the role of this variant in disease. Therefore, it has been classified as a Variant of Uncertain Significance.

Blueprint Genetics
Classification: Likely benign. Last evaluated: 2024-11-14. Review status: criteria provided, single submitter. Criteria: ACMG Guidelines, 2015. Collection method: clinical testing. Allele origin: germline.

GeneDx
Classification: Likely benign. Last evaluated: 2016-02-17. Review status: criteria provided, single submitter. Criteria: GeneDx Variant Classification (06012015). Collection method: clinical testing. Allele origin: germline. Affected: yes.
Comment: This variant is considered likely benign or benign based on one or more of the following criteria: it is a conservative change, it occurs at a poorly conserved position in the protein, it is predicted to be benign by multiple in silico algorithms, and/or has population frequency not consistent with disease.

PreventionGenetics, part of Exact Sciences
Classification: Likely benign for TMEM231-related condition. Last evaluated: 2019-03-18. Review status: no assertion criteria provided. Collection method: clinical testing. Allele origin: germline. Not counted in ClinVar's aggregate classification.
Comment: This variant is classified as likely benign based on ACMG/AMP sequence variant interpretation guidelines (Richards et al. 2015 PMID: 25741868, with internal and published modifications).

Literature cited by the submitters: PubMed 17576681 (cited by Labcorp Genetics (formerly Invitae), Labcorp); PubMed 9536098 (cited by Labcorp Genetics (formerly Invitae), Labcorp).

NM_001077418.3(TMEM231):c.582+6A>G

Gene: TMEM231 (transmembrane protein 231; minus strand). Cytogenetic location: 16q23.1.
Variant type: single nucleotide variant.
Coding change: c.582+6A>G on transcript NM_001077418.3 (MANE Select); 6 bases into the intron after coding-DNA position 582, A replaced by G.
Molecular consequence: intron variant.
Genome position (GRCh38, 1-based): chr16:75,545,346, T>C on the plus strand (A>G on the coding strand, the complement: TMEM231 is on the minus strand). VCF-style: chr16-75545346-T-C. GRCh37 (hg19) VCF-style: chr16-75579244-T-C.
Other names: c.741+6A>G (NM_001077416.2).
Identifiers: ClinVar variation 379405 (VCV000379405.23), dbSNP rs376300743, ClinGen allele CA8176145.